The following is an entry in ClinVar:

NM_000111.3(SLC26A3):c.270A>G (p.Gln90=)

Gene: SLC26A3 (solute carrier family 26 member 3; minus strand). Cytogenetic location: 7q22.3.
Variant type: single nucleotide variant.
Coding change: c.270A>G on transcript NM_000111.3 (MANE Select); coding-DNA position 270, A replaced by G.
Protein change: p.Gln90=; no amino-acid change (glutamine 90 retained).
Molecular consequence: synonymous variant.
Genome position (GRCh38, 1-based): chr7:107,793,743, T>C on the plus strand (A>G on the coding strand, the complement: SLC26A3 is on the minus strand). VCF-style: chr7-107793743-T-C. GRCh37 (hg19) VCF-style: chr7-107434188-T-C.
Identifiers: ClinVar variation 1360435 (VCV001360435.3), dbSNP rs778701842, ClinGen allele CA4434207.

ClinVar aggregate classification (germline): Uncertain significance (1 of 4 stars; one submission).

Allele frequency attached by ClinVar (database versions not stated): gnomAD exomes 0.00001; ExAC 0.00002; gnomAD 0.00005; TOPMed 0.00008.
gnomAD v4.1: 19 of 1,613,040 alleles (0.0012%); highest among the groups gnomAD compares: African/African-American, 0.025%; no homozygotes.

Submission:

Labcorp Genetics (formerly Invitae), Labcorp
Classification: Uncertain significance. Last evaluated: 2021-10-10. Review status: criteria provided, single submitter. Criteria: Invitae Variant Classification Sherloc (09022015). Collection method: clinical testing. Allele origin: germline.
Comment: This sequence change affects codon 90 of the SLC26A3 mRNA. It is a 'silent' change, meaning that it does not change the encoded amino acid sequence of the SLC26A3 protein. It affects a nucleotide within the consensus splice site. This variant is present in population databases (rs778701842, ExAC 0.02%). This variant has not been reported in the literature in individuals affected with SLC26A3-related conditions. Algorithms developed to predict the effect of sequence changes on RNA splicing suggest that this variant may disrupt the consensus splice site. In summary, the available evidence is currently insufficient to determine the role of this variant in disease. Therefore, it has been classified as a Variant of Uncertain Significance.